The following is an entry in ClinVar:

ClinVar aggregate classification (germline): Likely benign (1 of 4 stars; one submission).

gnomAD v4.1: 1 of 1,614,006 alleles (0.000062%); highest among the groups gnomAD compares: Non-Finnish European, 0.000085%; no homozygotes.

Submission:

GeneDx
Classification: Likely benign. Last evaluated: 2017-06-30. Review status: criteria provided, single submitter. Criteria: GeneDx Variant Classification (06012015). Collection method: clinical testing. Allele origin: germline. Affected: yes.
Comment: This variant is considered likely benign or benign based on one or more of the following criteria: it is a conservative change, it occurs at a poorly conserved position in the protein, it is predicted to be benign by multiple in silico algorithms, and/or has population frequency not consistent with disease.

NM_015386.3(COG4):c.18G>C (p.Ala6=)

Gene: COG4 (component of oligomeric golgi complex 4; minus strand). Cytogenetic location: 16q22.1.
Variant type: single nucleotide variant.
Coding change: c.18G>C on transcript NM_015386.3 (MANE Select); coding-DNA position 18, G replaced by C.
Protein change: p.Ala6=; no amino-acid change (alanine 6 retained).
Molecular consequence: synonymous variant. On other transcripts: 5 prime UTR variant (1), non-coding transcript variant (1).
Genome position (GRCh38, 1-based): chr16:70,523,526, C>G on the plus strand (G>C on the coding strand, the complement: COG4 is on the minus strand). VCF-style: chr16-70523526-C-G. GRCh37 (hg19) VCF-style: chr16-70557429-C-G.
Other names: c.6G>C, p.Ala2= (NM_001195139.2); c.-582G>C (NM_001365426.1).
Identifiers: ClinVar variation 510483 (VCV000510483.1), dbSNP rs764026543, ClinGen allele CA496227166.